The following is an entry in ClinVar:

NM_000400.4(ERCC2):c.884C>T (p.Ala295Val)

Gene: ERCC2 (ERCC excision repair 2, TFIIH core complex helicase subunit; minus strand). Cytogenetic location: 19q13.32.
Variant type: single nucleotide variant.
Coding change: c.884C>T on transcript NM_000400.4 (MANE Select); coding-DNA position 884, C replaced by T.
Protein change: p.Ala295Val; replaces alanine 295 with valine.
Molecular consequence: missense variant.
Genome position (GRCh38, 1-based): chr19:45,364,051, G>A on the plus strand (C>T on the coding strand, the complement: ERCC2 is on the minus strand). VCF-style: chr19-45364051-G-A. GRCh37 (hg19) VCF-style: chr19-45867309-G-A.
Other names: c.812C>T, p.Ala271Val (NM_001130867.2); short protein forms A271V, A295V.
Identifiers: ClinVar variation 3231719 (VCV003231719.1), dbSNP rs2123288118, ClinGen allele CA406373556.

ClinVar aggregate classification (germline): Uncertain significance (1 of 4 stars; one submission).

Conditions:
Inborn genetic diseases. Identifiers: MedGen C0950123, MeSH D030342.

Submission:

Ambry Genetics
Classification: Uncertain significance for Inborn genetic diseases. Last evaluated: 2023-12-23. Review status: criteria provided, single submitter. Criteria: Ambry Variant Classification Scheme 2023. Collection method: clinical testing. Allele origin: germline.
Comment: The p.A295V variant (also known as c.884C>T), located in coding exon 10 of the ERCC2 gene, results from a C to T substitution at nucleotide position 884. The alanine at codon 295 is replaced by valine, an amino acid with similar properties. This amino acid position is conserved. In addition, the in silico prediction for this alteration is inconclusive. Since supporting evidence is limited at this time, the clinical significance of this alteration remains unclear.